The following is an entry in ClinVar:

NM_001206927.2(DNAH8):c.5530C>T (p.Arg1844Cys)

Gene: DNAH8 (dynein axonemal heavy chain 8; plus strand). Cytogenetic location: 6p21.2.
Variant type: single nucleotide variant.
Coding change: c.5530C>T on transcript NM_001206927.2 (MANE Select); coding-DNA position 5530, C replaced by T.
Protein change: p.Arg1844Cys; replaces arginine 1844 with cysteine.
Molecular consequence: missense variant.
Genome position (GRCh38, 1-based): chr6:38,852,757, C>T. VCF-style: chr6-38852757-C-T. GRCh37 (hg19) VCF-style: chr6-38820533-C-T.
Other names: c.4879C>T, p.Arg1627Cys (NM_001371.4); short protein forms R1627C, R1844C.
Identifiers: ClinVar variation 1417156 (VCV001417156.3), dbSNP rs747954312, ClinGen allele CA3789405.

ClinVar aggregate classification (germline): Uncertain significance (1 of 4 stars; one submission).

Conditions:
Primary ciliary dyskinesia. Also called: Ciliary dyskinesia. Identifiers: Orphanet 244, MedGen C0008780, MONDO:0016575, HP:0012265.

Allele frequency attached by ClinVar (database versions not stated): ExAC 0.00002; TOPMed 0.00002; gnomAD 0.00003 and 0.00004; gnomAD exomes 0.00003 and 0.00005.
gnomAD v4.1: 52 of 1,613,416 alleles (0.0032%); highest among the groups gnomAD compares: Admixed American, 0.0083%; no homozygotes.

Submission:

Labcorp Genetics (formerly Invitae), Labcorp
Classification: Uncertain significance for Primary ciliary dyskinesia. Last evaluated: 2021-09-25. Review status: criteria provided, single submitter. Criteria: Invitae Variant Classification Sherloc (09022015). Collection method: clinical testing. Allele origin: germline.
Comment: This sequence change replaces arginine with cysteine at codon 1844 of the DNAH8 protein (p.Arg1844Cys). The arginine residue is moderately conserved and there is a large physicochemical difference between arginine and cysteine. This variant is present in population databases (rs747954312, ExAC 0.02%). This variant has not been reported in the literature in individuals affected with DNAH8-related conditions. Algorithms developed to predict the effect of missense changes on protein structure and function are either unavailable or do not agree on the potential impact of this missense change (SIFT: "Deleterious"; PolyPhen-2: "Not Available"; Align-GVGD: "Class C0"). In summary, the available evidence is currently insufficient to determine the role of this variant in disease. Therefore, it has been classified as a Variant of Uncertain Significance.